The following is an entry in ClinVar:

ClinVar aggregate classification (germline): Uncertain significance (1 of 4 stars; one submission).

Submission:

Labcorp Genetics (formerly Invitae), Labcorp
Classification: Uncertain significance. Last evaluated: 2022-03-20. Review status: criteria provided, single submitter. Criteria: Invitae Variant Classification Sherloc (09022015). Collection method: clinical testing. Allele origin: germline.
Comment: This sequence change replaces asparagine, which is neutral and polar, with histidine, which is basic and polar, at codon 160 of the COL2A1 protein (p.Asn160His). This variant is not present in population databases (gnomAD no frequency). This variant has not been reported in the literature in individuals affected with COL2A1-related conditions. Advanced modeling of protein sequence and biophysical properties (such as structural, functional, and spatial information, amino acid conservation, physicochemical variation, residue mobility, and thermodynamic stability) performed at Invitae indicates that this missense variant is not expected to disrupt COL2A1 protein function. In summary, the available evidence is currently insufficient to determine the role of this variant in disease. Therefore, it has been classified as a Variant of Uncertain Significance.

NM_001844.5(COL2A1):c.478A>C (p.Asn160His)

Gene: COL2A1 (collagen type II alpha 1 chain; minus strand). Cytogenetic location: 12q13.11.
Variant type: single nucleotide variant.
Coding change: c.478A>C on transcript NM_001844.5 (MANE Select); coding-DNA position 478, A replaced by C.
Protein change: p.Asn160His; replaces asparagine 160 with histidine.
Molecular consequence: missense variant.
Genome position (GRCh38, 1-based): chr12:47,997,659, T>G on the plus strand (A>C on the coding strand, the complement: COL2A1 is on the minus strand). VCF-style: chr12-47997659-T-G. GRCh37 (hg19) VCF-style: chr12-48391442-T-G.
Other names: c.271A>C, p.Asn91His (NM_033150.3); short protein forms N160H, N91H.
Identifiers: ClinVar variation 1968800 (VCV001968800.5), dbSNP rs2540180375, ClinGen allele CA384524813.